The following is an entry in ClinVar:

ClinVar aggregate classification (germline): Uncertain significance (1 of 4 stars; one submission).

Conditions:
Pachyonychia congenita 3 (PC3). Also called: PC-K6a; KRT6A-Related Pachyonychia Congenita. Identifiers: Orphanet 2309, MedGen C3714948, MONDO:0014324, OMIM 615726.

Submission:

Centre for Mendelian Genomics, University Medical Centre Ljubljana
Classification: Uncertain significance for Pachyonychia congenita 3. Last evaluated: 2019-02-28. Review status: criteria provided, single submitter. Criteria: ACMG Guidelines, 2015. Collection method: clinical testing. Allele origin: unknown. Affected: yes.
Comment: This variant was classified as: Uncertain significance. The available evidence on this variant's pathogenicity is insufficient or conflicting. The following ACMG criteria were applied in classifying this variant: PM2.

NM_005554.4(KRT6A):c.1078-10T>C

Gene: KRT6A (keratin 6A; minus strand). Cytogenetic location: 12q13.13.
Variant type: single nucleotide variant.
Coding change: c.1078-10T>C on transcript NM_005554.4 (MANE Select); 10 bases into the intron before coding-DNA position 1078, T replaced by C.
Molecular consequence: intron variant.
Genome position (GRCh38, 1-based): chr12:52,490,078, A>G on the plus strand (T>C on the coding strand, the complement: KRT6A is on the minus strand). VCF-style: chr12-52490078-A-G. GRCh37 (hg19) VCF-style: chr12-52883862-A-G.
Identifiers: ClinVar variation 930292 (VCV000930292.3), dbSNP rs1938231658, ClinGen allele CA1139662728.